The following is an entry in ClinVar:

ClinVar aggregate classification (germline): Uncertain significance (1 of 4 stars; one submission).

Submission:

GeneDx
Classification: Uncertain significance. Last evaluated: 2021-02-17. Review status: criteria provided, single submitter. Criteria: GeneDx Variant Classification Process June 2021. Collection method: clinical testing. Allele origin: germline. Affected: yes.
Comment: Not observed in large population cohorts (Lek et al., 2016); In silico analysis supports that this missense variant has a deleterious effect on protein structure/function; Has not been previously published as pathogenic or benign to our knowledge

NM_002972.4(SBF1):c.3013G>A (p.Glu1005Lys)

Gene: SBF1 (SET binding factor 1; minus strand). Cytogenetic location: 22q13.33.
Variant type: single nucleotide variant.
Coding change: c.3013G>A on transcript NM_002972.4 (MANE Select); coding-DNA position 3013, G replaced by A.
Protein change: p.Glu1005Lys; replaces glutamic acid 1005 with lysine.
Molecular consequence: missense variant.
Genome position (GRCh38, 1-based): chr22:50,460,667, C>T on the plus strand (G>A on the coding strand, the complement: SBF1 is on the minus strand). VCF-style: chr22-50460667-C-T. GRCh37 (hg19) VCF-style: chr22-50899096-C-T.
Other names: c.3016G>A, p.Glu1006Lys (NM_001365819.1); short protein forms E1005K, E1006K.
Identifiers: ClinVar variation 1304448 (VCV001304448.2), dbSNP rs1306451918, ClinGen allele CA412207569.